The following is an entry in ClinVar:

NM_024747.6(HPS6):c.300G>A (p.Leu100=)

Gene: HPS6 (HPS6 biogenesis of lysosomal organelles complex 2 subunit 3; plus strand). Cytogenetic location: 10q24.32.
Variant type: single nucleotide variant.
Coding change: c.300G>A on transcript NM_024747.6 (MANE Select); coding-DNA position 300, G replaced by A.
Protein change: p.Leu100=; no amino-acid change (leucine 100 retained).
Molecular consequence: synonymous variant.
Genome position (GRCh38, 1-based): chr10:102,065,774, G>A. VCF-style: chr10-102065774-G-A. GRCh37 (hg19) VCF-style: chr10-103825531-G-A.
Identifiers: ClinVar variation 3667772 (VCV003667772.2).

ClinVar aggregate classification (germline): Uncertain significance (1 of 4 stars; one submission).

Submission:

Labcorp Genetics (formerly Invitae), Labcorp
Classification: Uncertain significance. Last evaluated: 2024-04-01. Review status: criteria provided, single submitter. Criteria: Invitae Variant Classification Sherloc (09022015). Collection method: clinical testing. Allele origin: germline.
Comment: This sequence change affects codon 100 of the HPS6 mRNA. It is a 'silent' change, meaning that it does not change the encoded amino acid sequence of the HPS6 protein. This variant is not present in population databases (gnomAD no frequency). This variant has not been reported in the literature in individuals affected with HPS6-related conditions. In summary, the available evidence is currently insufficient to determine the role of this variant in disease. Therefore, it has been classified as a Variant of Uncertain Significance.